The following is an entry in ClinVar:

ClinVar aggregate classification (germline): Uncertain significance (1 of 4 stars; one submission).

Conditions:
Symmetrical dyschromatosis of extremities (DSH). Also called: DYSCHROMATOSIS SYMMETRICA HEREDITARIA 1; RETICULATE ACROPIGMENTATION OF DOHI; SYMMETRIC DYSCHROMATOSIS OF THE EXTREMITIES; Dyschromatosis symmetrica hereditaria. Identifiers: Orphanet 41, MedGen C0406775, MONDO:0007483, OMIM 127400.
Aicardi-Goutieres syndrome 6 (AGS6). Identifiers: Orphanet 51, MedGen C3539013, MONDO:0014007, OMIM 615010.

Submission:

Labcorp Genetics (formerly Invitae), Labcorp
Classification: Uncertain significance for Aicardi-Goutieres syndrome 6; Symmetrical dyschromatosis of extremities. Last evaluated: 2023-02-25. Review status: criteria provided, single submitter. Criteria: Invitae Variant Classification Sherloc (09022015). Collection method: clinical testing. Allele origin: germline.
Comment: In summary, the available evidence is currently insufficient to determine the role of this variant in disease. Therefore, it has been classified as a Variant of Uncertain Significance. Advanced modeling of protein sequence and biophysical properties (such as structural, functional, and spatial information, amino acid conservation, physicochemical variation, residue mobility, and thermodynamic stability) performed at Invitae indicates that this missense variant is not expected to disrupt ADAR protein function. This variant has not been reported in the literature in individuals affected with ADAR-related conditions. This variant is not present in population databases (gnomAD no frequency). This sequence change replaces phenylalanine, which is neutral and non-polar, with leucine, which is neutral and non-polar, at codon 546 of the ADAR protein (p.Phe546Leu).

NM_001111.5(ADAR):c.1636T>C (p.Phe546Leu)

Gene: ADAR (adenosine deaminase RNA specific; minus strand). Cytogenetic location: 1q21.3.
Variant type: single nucleotide variant.
Coding change: c.1636T>C on transcript NM_001111.5 (MANE Select); coding-DNA position 1636, T replaced by C.
Protein change: p.Phe546Leu; replaces phenylalanine 546 with leucine.
Molecular consequence: missense variant.
Genome position (GRCh38, 1-based): chr1:154,598,551, A>G on the plus strand (T>C on the coding strand, the complement: ADAR is on the minus strand). VCF-style: chr1-154598551-A-G. GRCh37 (hg19) VCF-style: chr1-154571027-A-G.
Other names: c.751T>C, p.Phe251Leu (NM_001365049.1, NM_001025107.3, NM_001193495.2 and 3 more transcripts); c.1636T>C, p.Phe546Leu (NM_015840.4, NM_015841.4); c.1663T>C, p.Phe555Leu (NM_001365045.1); short protein forms F555L, F546L, F251L.
Identifiers: ClinVar variation 2944730 (VCV002944730.3), dbSNP rs2526614278, ClinGen allele CA342639675.
Genomic context (GRCh38, chr1:154,598,551, plus strand): 5'-TGGCTTTCATAGCTGCATCCTGCTTGGCCACTTTCTTGCTTCCAGCTTCAGCTGGGGGAA[A>G]CTCTCGGCCATTGATGACAACCTGGAATTTAAATCTTGACGGAAAGTGATTAGATGTGTG-3'
Protein context (NP_001102.3, residues 536-556): KFQVVINGRE[Phe546Leu]PPAEAGSKKV